The following is an entry in ClinVar:

ClinVar aggregate classification (germline): Uncertain significance (1 of 4 stars; one submission).

Conditions:
Arginine:glycine amidinotransferase deficiency (CCDS3). Also called: AGAT deficiency; L-Arginine:Glycine Amidinotransferase Deficiency; Creatine deficiency syndrome due to AGAT deficiency; GATM deficiency; Cerebral creatine deficiency syndrome 3; L-Arginine:Glycine Amidinotransferase (AGAT) Deficiency. Identifiers: Orphanet 35704, MedGen C2675179, MONDO:0012996, OMIM 612718.

Submission:

Labcorp Genetics (formerly Invitae), Labcorp
Classification: Uncertain significance for Arginine:glycine amidinotransferase deficiency. Last evaluated: 2022-10-07. Review status: criteria provided, single submitter. Criteria: Invitae Variant Classification Sherloc (09022015). Collection method: clinical testing. Allele origin: germline.
Comment: This sequence change replaces aspartic acid, which is acidic and polar, with glutamic acid, which is acidic and polar, at codon 347 of the GATM protein (p.Asp347Glu). This variant is not present in population databases (gnomAD no frequency). This variant has not been reported in the literature in individuals affected with GATM-related conditions. Algorithms developed to predict the effect of missense changes on protein structure and function are either unavailable or do not agree on the potential impact of this missense change (SIFT: "Deleterious"; PolyPhen-2: "Benign"; Align-GVGD: "Class C0"). In summary, the available evidence is currently insufficient to determine the role of this variant in disease. Therefore, it has been classified as a Variant of Uncertain Significance.

NM_001482.3(GATM):c.1041C>G (p.Asp347Glu)

Gene: GATM (glycine amidinotransferase; minus strand). Cytogenetic location: 15q21.1.
Variant type: single nucleotide variant.
Coding change: c.1041C>G on transcript NM_001482.3 (MANE Select); coding-DNA position 1041, C replaced by G.
Protein change: p.Asp347Glu; replaces aspartic acid 347 with glutamic acid.
Molecular consequence: missense variant.
Genome position (GRCh38, 1-based): chr15:45,364,798, G>C on the plus strand (C>G on the coding strand, the complement: GATM is on the minus strand). VCF-style: chr15-45364798-G-C. GRCh37 (hg19) VCF-style: chr15-45656996-G-C.
Other names: c.654C>G, p.Asp218Glu (NM_001321015.2); short protein forms D218E, D347E.
Identifiers: ClinVar variation 1721194 (VCV001721194.5), dbSNP rs139599307, ClinGen allele CA392256341.